The following is an entry in ClinVar:

ClinVar aggregate classification (germline): Uncertain significance (1 of 4 stars; one submission).

Conditions:
Left ventricular noncompaction 8 (LVNC8). Identifiers: Orphanet 154, Orphanet 54260, MedGen C3809288, MONDO:0014152, OMIM 615373.

Submission:

Labcorp Genetics (formerly Invitae), Labcorp
Classification: Uncertain significance for Left ventricular noncompaction 8. Last evaluated: 2025-06-11. Review status: criteria provided, single submitter. Criteria: Invitae Variant Classification Sherloc (09022015). Collection method: clinical testing. Allele origin: germline.
Comment: This sequence change replaces leucine, which is neutral and non-polar, with arginine, which is basic and polar, at codon 892 of the PRDM16 protein (p.Leu892Arg). This variant is not present in population databases (gnomAD no frequency). This variant has not been reported in the literature in individuals affected with PRDM16-related conditions. An algorithm developed to predict the effect of missense changes on protein structure and function (PolyPhen-2) suggests that this variant is likely to be disruptive. In summary, the available evidence is currently insufficient to determine the role of this variant in disease. Therefore, it has been classified as a Variant of Uncertain Significance.

NM_022114.4(PRDM16):c.2675T>G (p.Leu892Arg)

Gene: PRDM16 (PR/SET domain 16; plus strand). Cytogenetic location: 1p36.32.
Variant type: single nucleotide variant.
Coding change: c.2675T>G on transcript NM_022114.4 (MANE Select); coding-DNA position 2675, T replaced by G.
Protein change: p.Leu892Arg; replaces leucine 892 with arginine.
Molecular consequence: missense variant.
Genome position (GRCh38, 1-based): chr1:3,414,631, T>G. VCF-style: chr1-3414631-T-G. GRCh37 (hg19) VCF-style: chr1-3331195-T-G.
Other names: c.2675T>G, p.Leu892Arg (NM_199454.3); short protein forms L892R.
Identifiers: ClinVar variation 4721302 (VCV004721302.1).